The following is an entry in ClinVar:

ClinVar aggregate classification (germline): Conflicting classifications of pathogenicity. Review status: criteria provided, conflicting classifications (1 of 4 stars). 2 submissions from 2 submitters: Uncertain significance (1); Likely benign (1). Last evaluated 2023-12-21.

Conditions:
Inborn genetic diseases. Identifiers: MedGen C0950123, MeSH D030342.

Allele frequency attached by ClinVar (database versions not stated): ESP Exome Variant Server 0.00023; ExAC 0.00026; gnomAD 0.00031; gnomAD exomes 0.00032.
gnomAD v4.1: 501 of 1,603,114 alleles (0.031%); highest among the groups gnomAD compares: Non-Finnish European, 0.038%; no homozygotes.

Submissions (2):

Labcorp Genetics (formerly Invitae), Labcorp
Classification: Uncertain significance. Last evaluated: 2023-12-21. Review status: criteria provided, single submitter. Criteria: Invitae Variant Classification Sherloc (09022015). Collection method: clinical testing. Allele origin: germline.
Comment: This sequence change replaces lysine, which is basic and polar, with arginine, which is basic and polar, at codon 1513 of the MAPKBP1 protein (p.Lys1513Arg). This variant is present in population databases (rs142880448, gnomAD 0.03%). This variant has not been reported in the literature in individuals affected with MAPKBP1-related conditions. ClinVar contains an entry for this variant (Variation ID: 2148232). Algorithms developed to predict the effect of missense changes on protein structure and function output the following: SIFT: "Not Available"; PolyPhen-2: "Benign"; Align-GVGD: "Not Available". The arginine amino acid residue is found in multiple mammalian species, which suggests that this missense change does not adversely affect protein function. In summary, the available evidence is currently insufficient to determine the role of this variant in disease. Therefore, it has been classified as a Variant of Uncertain Significance.

Ambry Genetics
Classification: Likely benign for Inborn genetic diseases. Last evaluated: 2023-12-13. Review status: criteria provided, single submitter. Criteria: Ambry Variant Classification Scheme 2023. Collection method: clinical testing. Allele origin: germline.

NM_014994.3(MAPKBP1):c.4520A>G (p.Lys1507Arg)

Gene: MAPKBP1 (mitogen-activated protein kinase binding protein 1; plus strand). Cytogenetic location: 15q15.1.
Variant type: single nucleotide variant.
Coding change: c.4520A>G on transcript NM_014994.3 (MANE Select); coding-DNA position 4520, A replaced by G.
Protein change: p.Lys1507Arg; replaces lysine 1507 with arginine.
Molecular consequence: missense variant. On other transcripts: non-coding transcript variant (2).
Genome position (GRCh38, 1-based): chr15:41,825,429, A>G. VCF-style: chr15-41825429-A-G. GRCh37 (hg19) VCF-style: chr15-42117627-A-G.
Other names: c.4538A>G, p.Lys1513Arg (NM_001128608.2); c.3689A>G, p.Lys1230Arg (NM_001265611.2); c.4538A>G (NM_001128608.1); short protein forms K1513R, K1230R, K1507R.
Identifiers: ClinVar variation 2148232 (VCV002148232.3), dbSNP rs142880448, ClinGen allele CA7498843.